The following is an entry in ClinVar:

ClinVar aggregate classification (germline): Uncertain significance (1 of 4 stars; one submission).

Submission:

Labcorp Genetics (formerly Invitae), Labcorp
Classification: Uncertain significance. Last evaluated: 2021-12-02. Review status: criteria provided, single submitter. Criteria: Invitae Variant Classification Sherloc (09022015). Collection method: clinical testing. Allele origin: germline.
Comment: Advanced modeling of protein sequence and biophysical properties (such as structural, functional, and spatial information, amino acid conservation, physicochemical variation, residue mobility, and thermodynamic stability) performed at Invitae indicates that this missense variant is expected to disrupt ASNS protein function. In summary, the available evidence is currently insufficient to determine the role of this variant in disease. Therefore, it has been classified as a Variant of Uncertain Significance. This sequence change replaces tryptophan, which is neutral and slightly polar, with cysteine, which is neutral and slightly polar, at codon 71 of the ASNS protein (p.Trp71Cys). This variant is not present in population databases (gnomAD no frequency). This variant has not been reported in the literature in individuals affected with ASNS-related conditions.

NM_001673.5(ASNS):c.213G>T (p.Trp71Cys)

Genes: ASNS (asparagine synthetase (glutamine-hydrolyzing); minus strand), CZ1P-ASNS (CZ1P-ASNS readthrough; minus strand). Cytogenetic location: 7q21.3.
Variant type: single nucleotide variant.
Coding change: c.213G>T on transcript NM_001673.5 (MANE Select); coding-DNA position 213, G replaced by T.
Protein change: p.Trp71Cys; replaces tryptophan 71 with cysteine.
Molecular consequence: missense variant. On other transcripts: intron variant (2), non-coding transcript variant (1).
Genome position (GRCh38, 1-based): chr7:97,868,944, C>A on the plus strand (G>T on the coding strand, the complement: ASNS is on the minus strand). VCF-style: chr7-97868944-C-A. GRCh37 (hg19) VCF-style: chr7-97498256-C-A.
Other names: c.213G>T, p.Trp71Cys (NM_001352496.2, NM_133436.3, NM_183356.4); c.-1+3407G>T (NM_001178076.2); c.-1+3097G>T (NM_001178077.1); c.150G>T, p.Trp50Cys (NM_001178075.2); short protein forms W71C, W50C.
Identifiers: ClinVar variation 1468952 (VCV001468952.6), dbSNP rs1183100703, ClinGen allele CA368273860.